The following is an entry in ClinVar:

NM_001242896.3(DEPDC5):c.2553G>C (p.Gln851His)

Gene: DEPDC5 (DEP domain containing 5, GATOR1 subcomplex subunit; plus strand). Cytogenetic location: 22q12.3.
Variant type: single nucleotide variant.
Coding change: c.2553G>C on transcript NM_001242896.3 (MANE Select); coding-DNA position 2553, G replaced by C.
Protein change: p.Gln851His; replaces glutamine 851 with histidine.
Molecular consequence: missense variant. On other transcripts: non-coding transcript variant (5).
Genome position (GRCh38, 1-based): chr22:31,843,132, G>C. VCF-style: chr22-31843132-G-C. GRCh37 (hg19) VCF-style: chr22-32239118-G-C.
Other names: c.2526G>C, p.Gln842His (NM_001136029.4, NM_001369903.1, NM_014662.6); c.2319G>C, p.Gln773His (NM_001242897.2, NM_001363854.2, NM_001364319.2); c.2553G>C, p.Gln851His (NM_001363852.2, NM_001364318.2, NM_001364320.2); c.2469G>C, p.Gln823His (NM_001369901.1, NM_001369902.1); short protein forms Q842H, Q851H, Q773H, Q823H.
Identifiers: ClinVar variation 657993 (VCV000657993.9), dbSNP rs368375649, ClinGen allele CA10196748.
Genomic context (GRCh38, chr22:31,843,132, plus strand): 5'-GGAAATTATTATTTTTCTGTTAGGCCTTGTGTCCCGAAACCGCCCTGAGGAGGAGGACCA[G>C]TATTGGCTGAGTATGGGCAGAACGTTCCACAAAGTGACGCTGAAGGATAAGATGATCACA-3'
Protein context (NP_001229825.1, residues 841-861): VSRNRPEEED[Gln851His]YWLSMGRTFH

ClinVar aggregate classification (germline): Conflicting classifications of pathogenicity. Review status: criteria provided, conflicting classifications (1 of 4 stars). 2 submissions from 2 submitters: Uncertain significance (1); Likely benign (1). Last evaluated 2026-01-27.

Conditions:
Inborn genetic diseases. Identifiers: MedGen C0950123, MeSH D030342.
Familial focal epilepsy with variable foci (FPEVF). Identifiers: Orphanet 98820, MedGen C1858477, MONDO:0020310.

Allele frequency attached by ClinVar (database versions not stated): gnomAD 0.00003; TOPMed 0.00006; gnomAD exomes 0.00008 and 0.00010; ExAC 0.00011; ESP Exome Variant Server 0.00016.
gnomAD v4.1: 120 of 1,614,044 alleles (0.0074%); highest among the groups gnomAD compares: Non-Finnish European, 0.0097%; no homozygotes.

Submissions (2):

Labcorp Genetics (formerly Invitae), Labcorp
Classification: Uncertain significance for Familial focal epilepsy with variable foci. Last evaluated: 2026-01-27. Review status: criteria provided, single submitter. Criteria: Invitae Variant Classification Sherloc (09022015). Collection method: clinical testing. Allele origin: germline.
Comment: This sequence change replaces glutamine, which is neutral and polar, with histidine, which is basic and polar, at codon 851 of the DEPDC5 protein (p.Gln851His). This variant is present in population databases (rs368375649, gnomAD 0.02%). This variant has not been reported in the literature in individuals affected with DEPDC5-related conditions. ClinVar contains an entry for this variant (Variation ID: 657993). Experimental studies and prediction algorithms are not available or were not evaluated, and the functional significance of this variant is currently unknown. In summary, the available evidence is currently insufficient to determine the role of this variant in disease. Therefore, it has been classified as a Variant of Uncertain Significance.

Ambry Genetics
Classification: Likely benign for Inborn genetic diseases. Last evaluated: 2022-11-17. Review status: criteria provided, single submitter. Criteria: Ambry Variant Classification Scheme 2023. Collection method: clinical testing. Allele origin: germline.